The following is an entry in ClinVar:

NM_000228.3(LAMB3):c.726_736del (p.Gln243fs)

Gene: LAMB3 (laminin subunit beta 3; minus strand). Cytogenetic location: 1q32.2.
Variant type: Deletion.
Coding change: c.726_736del on transcript NM_000228.3 (MANE Select); coding-DNA positions 726 to 736, 11 bases deleted (CCAGCTCCGTC).
Protein change: p.Gln243fs; shifts the reading frame from glutamine 243.
Molecular consequence: frameshift variant.
Genome position (GRCh38, 1-based): chr1:209,632,669-209,632,679, GACGGAGCTGG deleted on the plus strand (CCAGCTCCGTC on the coding strand, the reverse complement: LAMB3 is on the minus strand); deleting any 11 consecutive bases within chr1:209,632,669-209,632,682 gives the same sequence; the c. name uses the placement nearest the transcript's 3' end. VCF-style (leftmost placement, unchanged base first): chr1-209632668-AGACGGAGCTGG-A. GRCh37 (hg19) VCF-style: chr1-209806013-AGACGGAGCTGG-A.
Other names: c.726_736del, p.Gln243fs (NM_001017402.2, NM_001127641.1); short protein forms Q243fs.
Identifiers: ClinVar variation 5014070 (VCV005014070.1).

ClinVar aggregate classification (germline): Pathogenic (1 of 4 stars; one submission).

Conditions:
Junctional epidermolysis bullosa. Identifiers: Orphanet 305, MedGen C0079301, MONDO:0017612.

Submission:

Myriad Genetics, Inc.
Classification: Pathogenic for Junctional epidermolysis bullosa. Last evaluated: 2025-02-07. Review status: criteria provided, single submitter. Criteria: Myriad Autosomal Dominant, Autosomal Recessive and X-Linked Classification Criteria (2023). Collection method: clinical testing. Allele origin: unknown.
Comment: NM_000228.2(LAMB3):c.726_736del11(Q243Afs*11) is expected to be pathogenic in the context of junctional epidermolysis bullosa, LAMB3-related. This variant is predicted to lead to an abnormal or absent protein product due to the creation of a premature termination codon in LAMB3, a gene where loss-of-function variants are known to be pathogenic. Please note: this variant was assessed in the context of healthy population screening.